The following is an entry in ClinVar:

NM_001399.5(EDA):c.521_522delinsT (p.Lys174fs)

Gene: EDA (ectodysplasin A; plus strand). Cytogenetic location: Xq13.1.
Variant type: Indel.
Coding change: c.521_522delinsT on transcript NM_001399.5 (MANE Select); coding-DNA positions 521 to 522, AA replaced by T.
Protein change: p.Lys174fs; shifts the reading frame from lysine 174.
Molecular consequence: frameshift variant.
Genome position (GRCh38, 1-based): chrX:70,023,236-70,023,237, AA replaced by T. VCF-style: chrX-70023236-AA-T. GRCh37 (hg19) VCF-style: chrX-69243086-AA-T.
Other names: c.521_522delinsT, p.Lys174fs (NM_001005609.2, NM_001005612.3); short protein forms K174fs.
Identifiers: ClinVar variation 458655 (VCV000458655.5), dbSNP rs1556092261, ClinGen allele CA658659002.

ClinVar aggregate classification (germline): Pathogenic (1 of 4 stars; one submission).

Conditions:
Hypohidrotic X-linked ectodermal dysplasia (XHED). Also called: Ectodermal Dysplasia 1, Anhidrotic; ECTODERMAL DYSPLASIA, HYPOHIDROTIC, 1; CST SYNDROME; ECTODERMAL DYSPLASIA 1; Christ-Siemans-Touraine syndrome; Anhidrotic ectodermal dysplasia X-linked. Identifiers: Orphanet 181, Orphanet 238468, MedGen C0162359, MONDO:0010585, OMIM 305100.

Submission:

Labcorp Genetics (formerly Invitae), Labcorp
Classification: Pathogenic for Hypohidrotic X-linked ectodermal dysplasia. Last evaluated: 2016-04-29. Review status: criteria provided, single submitter. Criteria: Invitae Variant Classification Sherloc (09022015). Collection method: clinical testing. Allele origin: germline.
Comment: For these reasons, this variant has been classified as Pathogenic. While this particular variant has not been reported in the literature, truncating variants in EDA are known to be pathogenic (PMID: 11416205). This sequence change deletes 2 nucleotides and inserts 1 nucleotide in exon 3 of the EDA mRNA (c.521_522delAAinsT), causing a frameshift at codon 174. This creates a premature translational stop signal (p.Lys174Ilefs*106) and is expected to result in an absent or disrupted protein product.

Literature cited by the submitters: PubMed 11416205.